The following is an entry in ClinVar:

ClinVar aggregate classification (germline): Benign (1 of 4 stars; one submission).

Allele frequency attached by ClinVar (database versions not stated): gnomAD 0.87472; 1000 Genomes Project 30x 0.89928.
gnomAD v4.1: 101,525 of 115,876 alleles (88%); highest among the groups gnomAD compares: East Asian, 100%; 45,009 homozygotes.

Submission:

GeneDx
Classification: Benign. Last evaluated: 2018-06-14. Review status: criteria provided, single submitter. Criteria: GeneDx Variant Classification (06012015). Collection method: clinical testing. Allele origin: germline. Affected: yes.
Comment: This variant is considered likely benign or benign based on one or more of the following criteria: it is a conservative change, it occurs at a poorly conserved position in the protein, it is predicted to be benign by multiple in silico algorithms, and/or has population frequency not consistent with disease.

NM_144670.6(A2ML1):c.3717+253G>C

Gene: A2ML1 (alpha-2-macroglobulin like 1; plus strand). Cytogenetic location: 12p13.31.
Variant type: single nucleotide variant.
Coding change: c.3717+253G>C on transcript NM_144670.6 (MANE Select); 253 bases into the intron after coding-DNA position 3717, G replaced by C.
Molecular consequence: intron variant.
Genome position (GRCh38, 1-based): chr12:8,864,261, G>C. VCF-style: chr12-8864261-G-C. GRCh37 (hg19) VCF-style: chr12-9016857-G-C.
Other names: c.2244+253G>C (NM_001282424.3).
Identifiers: ClinVar variation 561813 (VCV000561813.1), dbSNP rs61919498, ClinGen allele CA232702349.